The following is an entry in ClinVar:

ClinVar aggregate classification (germline): Pathogenic/Likely pathogenic. Review status: criteria provided, multiple submitters, no conflicts (2 of 4 stars). 2 submissions from 2 submitters: Pathogenic (1); Likely pathogenic (1). Last evaluated 2026-06-10.

Conditions:
Cystinuria (CSNU). Also called: Cystinuria, non-type I; CYSTINURIA, TYPE I; CYSTINURIA, TYPE II; CYSTINURIA, TYPE III. Identifiers: Orphanet 214, MedGen C0010691, MONDO:0009067, OMIM 220100, HP:0003131.

gnomAD v4.1: 8 of 1,614,068 alleles (0.0005%); highest among the groups gnomAD compares: South Asian, 0.0011%; no homozygotes.

Submissions (2):

MVZ Medizinische Genetik Mainz
Classification: Pathogenic for Cystinuria. Last evaluated: 2026-06-10. Review status: criteria provided, single submitter. Criteria: UK Practice Guidelines For Variant Classification V4 01 2020. Collection method: clinical testing. Allele origin: germline. Inheritance: Autosomal recessive inheritance. Affected: yes. Observed: 1 variant allele.
Comment: ACMG Criteria: PVS1_STR,PS1_MOD,PM3,PM2_SUP,PP4

Fulgent Genetics
Classification: Likely pathogenic for Cystinuria. Last evaluated: 2024-05-01. Review status: criteria provided, single submitter. Criteria: ACMG Guidelines, 2015. Collection method: clinical testing. Allele origin: germline.

NM_000341.4(SLC3A1):c.1617+1G>A

Gene: SLC3A1 (solute carrier family 3 member 1; plus strand). Cytogenetic location: 2p21.
Variant type: single nucleotide variant.
Coding change: c.1617+1G>A on transcript NM_000341.4 (MANE Select); the canonical splice donor site of the intron after coding-DNA position 1617, G replaced by A.
Molecular consequence: splice donor variant.
Genome position (GRCh38, 1-based): chr2:44,313,952, G>A. VCF-style: chr2-44313952-G-A. GRCh37 (hg19) VCF-style: chr2-44541091-G-A.
Identifiers: ClinVar variation 3586681 (VCV003586681.3).
Genomic context (GRCh38, chr2:44,313,952, plus strand): 5'-TCTGAAGCTAGTAACACCTGGTTACCTACCAATTCAGATTACCACACTGTGAATGTTGAT[G>A]TAAGTATCAGTGAAAATTTTATGTTGATTCTAGAAACAAAGAAATGGGTTTCTACTGAAA-3'